The following is an entry in ClinVar:

ClinVar aggregate classification (germline): Uncertain significance (1 of 4 stars; one submission).

Conditions:
Inborn genetic diseases. Identifiers: MedGen C0950123, MeSH D030342.

Allele frequency attached by ClinVar (database versions not stated): gnomAD exomes below 0.00001.
gnomAD v4.1: 1 of 1,604,844 alleles (0.000062%); highest among the groups gnomAD compares: Non-Finnish European, 0.000085%; no homozygotes.

Submission:

Ambry Genetics
Classification: Uncertain significance for Inborn genetic diseases. Last evaluated: 2022-05-07. Review status: criteria provided, single submitter. Criteria: Ambry Variant Classification Scheme 2023. Collection method: clinical testing. Allele origin: germline.
Comment: The p.A548V variant (also known as c.1643C>T), located in coding exon 14 of the LRRK2 gene, results from a C to T substitution at nucleotide position 1643. The alanine at codon 548 is replaced by valine, an amino acid with similar properties. This amino acid position is conserved. In addition, this alteration is predicted to be tolerated by in silico analysis. Since supporting evidence is limited at this time, the clinical significance of this alteration remains unclear.

NM_198578.4(LRRK2):c.1643C>T (p.Ala548Val)

Gene: LRRK2 (leucine rich repeat kinase 2; plus strand). Cytogenetic location: 12q12.
Variant type: single nucleotide variant.
Coding change: c.1643C>T on transcript NM_198578.4 (MANE Select); coding-DNA position 1643, C replaced by T.
Protein change: p.Ala548Val; replaces alanine 548 with valine.
Molecular consequence: missense variant.
Genome position (GRCh38, 1-based): chr12:40,263,888, C>T. VCF-style: chr12-40263888-C-T. GRCh37 (hg19) VCF-style: chr12-40657690-C-T.
Other names: short protein forms A548V.
Identifiers: ClinVar variation 1777090 (VCV001777090.2), dbSNP rs932962399, ClinGen allele CA384399254.